The following is an entry in ClinVar:

ClinVar aggregate classification (germline): Uncertain significance. Review status: criteria provided, multiple submitters, no conflicts (2 of 4 stars). 2 submissions from 2 submitters: Uncertain significance (2). Last evaluated 2024-08-15.

gnomAD v4.1: 7 of 1,612,462 alleles (0.00043%); highest among the groups gnomAD compares: Middle Eastern, 0.033%; no homozygotes.

Submissions (2):

Women's Health and Genetics/Laboratory Corporation of America, LabCorp
Classification: Uncertain significance. Last evaluated: 2024-08-15. Review status: criteria provided, single submitter. Criteria: LabCorp Variant Classification Summary - May 2015. Collection method: clinical testing. Allele origin: germline.
Comment: Variant summary: MYO15A c.387A>C (p.Lys129Asn) results in a non-conservative amino acid change in the encoded protein sequence. Five of five in-silico tools predict a damaging effect of the variant on protein function. The variant allele was found at a frequency of 8.3e-06 in 240612 control chromosomes (gnomAD). The available data on variant occurrences in the general population are insufficient to allow any conclusion about variant significance. c.387A>C has been reported in the literature in individuals affected with Autosomal Recessive Nonsyndromic Hearing Loss 3. These data do not allow any conclusion about variant significance. To our knowledge, no experimental evidence demonstrating an impact on protein function has been reported. The following publication has been ascertained in the context of this evaluation (PMID: 35531120). No submitters have cited clinical-significance assessments for this variant to ClinVar. Based on the evidence outlined above, the variant was classified as uncertain significance.

GeneDx
Classification: Uncertain significance. Last evaluated: 2023-05-30. Review status: criteria provided, single submitter. Criteria: GeneDx Variant Classification Process June 2021. Collection method: clinical testing. Allele origin: germline. Affected: yes.
Comment: Observed with a second variant (phase unknown) in a patient with ataxia in published literature (Millar Vernetti et al., 2022); Not observed at significant frequency in large population cohorts (gnomAD); In silico analysis supports that this missense variant does not alter protein structure/function; This variant is associated with the following publications: (PMID: 35531120)

Literature cited by the submitters: PubMed 35531120 (cited by Women's Health and Genetics/Laboratory Corporation of America, LabCorp).

NM_016239.4(MYO15A):c.387A>C (p.Lys129Asn)

Gene: MYO15A (myosin XVA; plus strand). Cytogenetic location: 17p11.2.
Variant type: single nucleotide variant.
Coding change: c.387A>C on transcript NM_016239.4 (MANE Select); coding-DNA position 387, A replaced by C.
Protein change: p.Lys129Asn; replaces lysine 129 with asparagine.
Molecular consequence: missense variant.
Genome position (GRCh38, 1-based): chr17:18,119,187, A>C. VCF-style: chr17-18119187-A-C. GRCh37 (hg19) VCF-style: chr17-18022501-A-C.
Other names: short protein forms K129N.
Identifiers: ClinVar variation 3361952 (VCV003361952.2).
Genomic context (GRCh38, chr17:18,119,187, plus strand): 5'-CCGCTTCCCAGGCCGCCGTGGCTACGGCCGCCTGCGGCCGCGCGCCCGGTCACTCAGCAA[A>C]GCGTCCACGGCCATCAACTGGCTCACAAAAAAGTTCCTCCTCAAGAAGGCCGAGGAGTCG-3'
Protein context (NP_057323.3, residues 119-139): RLRPRARSLS[Lys129Asn]ASTAINWLTK